The following is an entry in ClinVar:

NM_001367624.2(ZNF469):c.2644G>C (p.Gly882Arg)

Gene: ZNF469 (zinc finger protein 469; plus strand). Cytogenetic location: 16q24.2.
Variant type: single nucleotide variant.
Coding change: c.2644G>C on transcript NM_001367624.2 (MANE Select); coding-DNA position 2644, G replaced by C.
Protein change: p.Gly882Arg; replaces glycine 882 with arginine.
Molecular consequence: missense variant.
Genome position (GRCh38, 1-based): chr16:88,430,114, G>C. VCF-style: chr16-88430114-G-C. GRCh37 (hg19) VCF-style: chr16-88496522-G-C.
Other names: NM_001127464.1:c.2644G>C; short protein forms G882R.
Identifiers: ClinVar variation 1315391 (VCV001315391.2), dbSNP rs1024155646, ClinGen allele CA286373893.

ClinVar aggregate classification (germline): Uncertain significance (1 of 4 stars; one submission).

gnomAD v4.1: 2 of 1,550,216 alleles (0.00013%); highest among the groups gnomAD compares: Non-Finnish European, 0.00017%; no homozygotes.

Submission:

GeneDx
Classification: Uncertain significance. Last evaluated: 2020-02-10. Review status: criteria provided, single submitter. Criteria: GeneDx Variant Classification Process June 2021. Collection method: clinical testing. Allele origin: germline. Affected: yes.
Comment: Has not been previously published as pathogenic or benign to our knowledge; Not observed in large population cohorts (Lek et al., 2016); In silico analysis supports that this missense variant has a deleterious effect on protein structure/function